The following is an entry in ClinVar:

NC_000008.10:g.(?_54978308)_(56436786_?)dup

Genes: MRPL15 (mitochondrial ribosomal protein L15; plus strand), RP1 (RP1 axonemal microtubule associated; plus strand), SOX17 (SRY-box transcription factor 17; plus strand), XKR4 (XK related 4; plus strand), LYPLA1 (lysophospholipase 1; minus strand). Cytogenetic location: 8q11.23-12.1.
Variant type: Duplication.
Identifiers: ClinVar variation 832547 (VCV000832547.2).

ClinVar aggregate classification (germline): Uncertain significance (1 of 4 stars; one submission).

Submission:

Labcorp Genetics (formerly Invitae), Labcorp
Classification: Uncertain significance. Last evaluated: 2019-12-26. Review status: criteria provided, single submitter. Criteria: Invitae Variant Classification Sherloc (09022015). Collection method: clinical testing. Allele origin: germline.
Comment: This variant results in a copy number gain of the genomic region encompassing the full coding sequence of the RP1 gene. The boundaries of this event are unknown as they extend beyond the assayed region for this gene and therefore may encompass additional genes. As the precise location of this event is unknown, it may be in tandem or it may be located elsewhere in the genome. This variant has not been reported in the literature in individuals with RP1-related conditions. In summary, the available evidence is currently insufficient to determine the role of this variant in disease. Therefore, it has been classified as a Variant of Uncertain Significance.